The following is an entry in ClinVar:

NM_000038.6(APC):c.220+22del

Gene: APC (APC regulator of Wnt signaling pathway; plus strand). Cytogenetic location: 5q22.2.
Variant type: Deletion.
Coding change: c.220+22del on transcript NM_000038.6 (MANE Select); 22 bases into the intron after coding-DNA position 220, one base deleted (T; older notation c.220+22delT).
Molecular consequence: intron variant.
Genome position (GRCh38, 1-based): chr5:112,766,432, T deleted; the last of 4 consecutive T bases (chr5:112,766,429-112,766,432); deleting any one gives the same sequence. VCF-style (leftmost placement, unchanged base first): chr5-112766428-GT-G. GRCh37 (hg19) VCF-style: chr5-112102125-GT-G.
Other names: c.-816+22del (NM_001407470.1, NM_001407472.1, NM_001354906.2 and 1 more transcripts); c.220+22del (NM_001407447.1, NM_001354895.2, NM_001407456.1 and 16 more transcripts); c.250+22del (NM_001407446.1, NM_001354897.2, NM_001354902.2 and 1 more transcripts); c.43+22del (NM_001407453.1, NM_001354900.2, NM_001354901.2 and 1 more transcripts); c.145+22del (NM_001407451.1, NM_001354898.2, NM_001354904.2).
Identifiers: ClinVar variation 3148731 (VCV003148731.1), dbSNP rs2532276317, ClinGen allele CA2825001323.

ClinVar aggregate classification (germline): Benign (1 of 4 stars; one submission).

Conditions:
Familial adenomatous polyposis 1 (FAP1). Also called: POLYPOSIS, ADENOMATOUS INTESTINAL; FAMILIAL ADENOMATOUS POLYPOSIS 1, ATTENUATED. Identifiers: MedGen C2713442, MONDO:0021056, OMIM 175100. Disease mechanism: loss of function.

Submission:

Myriad Genetics, Inc.
Classification: Benign for Familial adenomatous polyposis 1. Last evaluated: 2024-02-22. Review status: criteria provided, single submitter. Criteria: Myriad Autosomal Dominant, Autosomal Recessive and X-Linked Classification Criteria (2023). Collection method: clinical testing. Allele origin: unknown.
Comment: This variant is considered benign. This variant is intronic and is not expected to impact mRNA splicing.